The following is an entry in ClinVar:

ClinVar aggregate classification (germline): Uncertain significance. Review status: criteria provided, multiple submitters, no conflicts (2 of 4 stars). 2 submissions from 2 submitters: Uncertain significance (2). Last evaluated 2022-11-18.

Conditions:
Inborn genetic diseases. Identifiers: MedGen C0950123, MeSH D030342.

gnomAD v4.1: 55 of 1,613,980 alleles (0.0034%); highest among the groups gnomAD compares: East Asian, 0.06%; no homozygotes.

Submissions (2):

Ambry Genetics
Classification: Uncertain significance for Inborn genetic diseases. Last evaluated: 2022-11-18. Review status: criteria provided, single submitter. Criteria: Ambry Variant Classification Scheme 2023. Collection method: clinical testing. Allele origin: germline.

Labcorp Genetics (formerly Invitae), Labcorp
Classification: Uncertain significance. Last evaluated: 2022-07-05. Review status: criteria provided, single submitter. Criteria: Invitae Variant Classification Sherloc (09022015). Collection method: clinical testing. Allele origin: germline.
Comment: In summary, the available evidence is currently insufficient to determine the role of this variant in disease. Therefore, it has been classified as a Variant of Uncertain Significance. Algorithms developed to predict the effect of missense changes on protein structure and function are either unavailable or do not agree on the potential impact of this missense change (SIFT: "Tolerated"; PolyPhen-2: "Possibly Damaging"; Align-GVGD: "Class C0"). This variant has not been reported in the literature in individuals affected with LIPH-related conditions. This variant is present in population databases (rs370653261, gnomAD 0.1%). This sequence change replaces arginine, which is basic and polar, with leucine, which is neutral and non-polar, at codon 110 of the LIPH protein (p.Arg110Leu).

NM_139248.3(LIPH):c.329G>T (p.Arg110Leu)

Gene: LIPH (lipase H; minus strand). Cytogenetic location: 3q27.2.
Variant type: single nucleotide variant.
Coding change: c.329G>T on transcript NM_139248.3 (MANE Select); coding-DNA position 329, G replaced by T.
Protein change: p.Arg110Leu; replaces arginine 110 with leucine.
Molecular consequence: missense variant.
Genome position (GRCh38, 1-based): chr3:185,534,853, C>A on the plus strand (G>T on the coding strand, the complement: LIPH is on the minus strand). VCF-style: chr3-185534853-C-A. GRCh37 (hg19) VCF-style: chr3-185252641-C-A.
Other names: short protein forms R110L.
Identifiers: ClinVar variation 1903203 (VCV001903203.6), dbSNP rs370653261, ClinGen allele CA2740661.